The following is an entry in ClinVar:

ClinVar aggregate classification (germline): Uncertain significance. Review status: criteria provided, multiple submitters, no conflicts (2 of 4 stars). 4 submissions from 4 submitters: Uncertain significance (2). 2 of the submissions do not count toward it. Last evaluated 2024-03-29.

Conditions:
Dextrocardia. Identifiers: Orphanet 1666, MedGen C0011813, MONDO:0015661, HP:0001651.
Heterotaxy, visceral, 6, autosomal (HTX6). Also called: Heterotaxy, visceral, 6, autosomal recessive. Identifiers: Orphanet 450, MedGen C3553676, MONDO:0013887, OMIM 614779.

Allele frequency attached by ClinVar (database versions not stated): gnomAD exomes 0.00001; TOPMed 0.00001; gnomAD 0.00001.
gnomAD v4.1: 12 of 1,591,896 alleles (0.00075%); highest among the groups gnomAD compares: African/African-American, 0.0014%; no homozygotes.

Submissions (4):

Genomic Medicine Center of Excellence, King Faisal Specialist Hospital and Research Centre
Classification: Uncertain significance for Heterotaxy, visceral, 6, autosomal. Last evaluated: 2024-03-29. Review status: criteria provided, single submitter. Criteria: ACMG Guidelines, 2015. Collection method: clinical testing. Allele origin: germline.

GeneDx
Classification: Uncertain significance. Last evaluated: 2021-10-26. Review status: criteria provided, single submitter. Criteria: GeneDx Variant Classification Process June 2021. Collection method: clinical testing. Allele origin: germline. Affected: yes.
Comment: In silico analysis supports that this missense variant has a deleterious effect on protein structure/function; In-silico analysis is inconclusive as to whether the variant alters gene splicing. In the absence of RNA/functional studies, the actual effect of this sequence change is unknown.; This variant is associated with the following publications: (PMID: 26531781)

OMIM
Classification: Pathogenic for HETEROTAXY, VISCERAL, 6, AUTOSOMAL. Last evaluated: 2022-01-14. Review status: no assertion criteria provided. Collection method: literature only. Allele origin: germline. Not counted in ClinVar's aggregate classification.

Department of Medical Biology, Academic Medical Center
Classification: Likely pathogenic for dextrocardia. Last evaluated: 2015-09-01. Review status: no assertion criteria provided. Collection method: research. Allele origin: inherited. Affected: yes. Not counted in ClinVar's aggregate classification.

Literature cited by the submitters: PubMed 26531781 (cited by OMIM and Department of Medical Biology, Academic Medical Center).

NM_145020.5(CFAP53):c.472A>G (p.Arg158Gly)

Gene: CFAP53 (cilia and flagella associated protein 53; minus strand). Cytogenetic location: 18q21.1.
Variant type: single nucleotide variant.
Coding change: c.472A>G on transcript NM_145020.5 (MANE Select); coding-DNA position 472, A replaced by G.
Protein change: p.Arg158Gly; replaces arginine 158 with glycine.
Molecular consequence: missense variant.
Genome position (GRCh38, 1-based): chr18:50,261,065, T>C on the plus strand (A>G on the coding strand, the complement: CFAP53 is on the minus strand). VCF-style: chr18-50261065-T-C. GRCh37 (hg19) VCF-style: chr18-47787435-T-C.
Other names: short protein forms R158G.
Identifiers: ClinVar variation 217132 (VCV000217132.5), dbSNP rs886037751, ClinGen allele CA10575794.